The following is an entry in ClinVar:

ClinVar aggregate classification (germline): Conflicting classifications of pathogenicity. Review status: criteria provided, conflicting classifications (1 of 4 stars). 4 submissions from 4 submitters: Uncertain significance (3); Likely benign (1). Last evaluated 2026-06-03.

Conditions:
Hereditary cancer-predisposing syndrome. Also called: Hereditary neoplastic syndrome; Neoplastic Syndromes, Hereditary; Tumor predisposition; Hereditary Cancer Syndrome. Identifiers: Orphanet 140162, MedGen C0027672, MeSH D009386, MONDO:0015356.
Renal cell carcinoma. Identifiers: Orphanet 217071, MedGen C0007134, MeSH D002292, MONDO:0005086, HP:0005584.

Allele frequency attached by ClinVar (database versions not stated): TOPMed below 0.00001; gnomAD 0.00001.
gnomAD v4.1: 1 of 1,613,898 alleles (0.000062%); highest among the groups gnomAD compares: Admixed American, 0.0017%; no homozygotes.

Submissions (4):

Ambry Genetics
Classification: Likely benign for Hereditary cancer-predisposing syndrome. Last evaluated: 2026-06-03. Review status: criteria provided, single submitter. Criteria: Ambry Variant Classification Scheme 2023. Collection method: clinical testing. Allele origin: germline.

Labcorp Genetics (formerly Invitae), Labcorp
Classification: Uncertain significance for Renal cell carcinoma. Last evaluated: 2024-12-12. Review status: criteria provided, single submitter. Criteria: Invitae Variant Classification Sherloc (09022015). Collection method: clinical testing. Allele origin: germline.
Comment: This sequence change replaces leucine, which is neutral and non-polar, with valine, which is neutral and non-polar, at codon 107 of the MET protein (p.Leu107Val). This variant is not present in population databases (gnomAD no frequency). This variant has not been reported in the literature in individuals affected with MET-related conditions. ClinVar contains an entry for this variant (Variation ID: 1006887). An algorithm developed to predict the effect of missense changes on protein structure and function outputs the following: PolyPhen-2: "Benign". The valine amino acid residue is found in multiple mammalian species, which suggests that this missense change does not adversely affect protein function. In summary, the available evidence is currently insufficient to determine the role of this variant in disease. Therefore, it has been classified as a Variant of Uncertain Significance.

Clinical Genomics Laboratory, Washington University in St. Louis
Classification: Uncertain significance. Last evaluated: 2024-03-13. Review status: criteria provided, single submitter. Criteria: ACMG Guidelines, 2015. Collection method: clinical testing. Allele origin: germline.
Comment: A MET c.319T>G (p.Leu107Val) variant was identified at a near heterozygous allelic fraction of 48.7%, a frequency which may be consistent with germline origin. This variant, to our knowledge, has not been reported in the medical literature and is only observed on 1/152,132 alleles in the general population (gnomAD v.4.0.0), indicating it is not a common variant. It has been reported in the ClinVar database as a germline variant of uncertain significance by two submitters (ClinVar ID: 1006887). Computational predictors suggest that the variant does not impact MET function. Due to limited information, and based on ACMG/AMP guidelines for variant interpretation (Richards S et al., PMID: 25741868), the clinical significance of the MET c.319T>G (p.Leu107Val) variant is uncertain at this time.

GeneDx
Classification: Uncertain significance. Last evaluated: 2023-07-17. Review status: criteria provided, single submitter. Criteria: GeneDx Variant Classification Process June 2021. Collection method: clinical testing. Allele origin: germline. Affected: yes.
Comment: Not observed at significant frequency in large population cohorts (gnomAD); In silico analysis supports that this missense variant does not alter protein structure/function; Has not been previously published as pathogenic or benign to our knowledge

NM_000245.4(MET):c.319T>G (p.Leu107Val)

Gene: MET (MET proto-oncogene, receptor tyrosine kinase; plus strand). Cytogenetic location: 7q31.2.
Variant type: single nucleotide variant.
Coding change: c.319T>G on transcript NM_000245.4 (MANE Select); coding-DNA position 319, T replaced by G.
Protein change: p.Leu107Val; replaces leucine 107 with valine.
Molecular consequence: missense variant. On other transcripts: intron variant (1).
Genome position (GRCh38, 1-based): chr7:116,699,403, T>G. VCF-style: chr7-116699403-T-G. GRCh37 (hg19) VCF-style: chr7-116339457-T-G.
Other names: c.319T>G (NM_001127500.1); c.319T>G, p.Leu107Val (NM_001127500.3, NM_001324401.3); c.-91+26826T>G (NM_001324402.2); short protein forms L107V.
Identifiers: ClinVar variation 1006887 (VCV001006887.14), dbSNP rs1791474714, ClinGen allele CA368968816.
Genomic context (GRCh38, chr7:116,699,403, plus strand): 5'-GGGCCTGTGCTGGAACACCCAGATTGTTTCCCATGTCAGGACTGCAGCAGCAAAGCCAAT[T>G]TATCAGGAGGTGTTTGGAAAGATAACATCAACATGGCTCTAGTTGTCGACACCTACTATG-3'
Protein context (NP_000236.2, residues 97-117): PCQDCSSKAN[Leu107Val]SGGVWKDNIN